The following is an entry in ClinVar:

NM_005413.4(SIX3):c.584A>G (p.Lys195Arg)

Gene: SIX3 (SIX homeobox 3; plus strand). Cytogenetic location: 2p21.
Variant type: single nucleotide variant.
Coding change: c.584A>G on transcript NM_005413.4 (MANE Select); coding-DNA position 584, A replaced by G.
Protein change: p.Lys195Arg; replaces lysine 195 with arginine.
Molecular consequence: missense variant.
Genome position (GRCh38, 1-based): chr2:44,942,688, A>G. VCF-style: chr2-44942688-A-G. GRCh37 (hg19) VCF-style: chr2-45169827-A-G.
Other names: short protein forms K195R.
Identifiers: ClinVar variation 4996897 (VCV004996897.1).
Genomic context (GRCh38, chr2:44,942,688, plus strand): 5'-AGGAGGCCGAGAAGCTGCGCGGCCGCCCACTCGGCCCGGTGGACAAGTACCGCGTGCGCA[A>G]GAAGTTCCCGCTGCCACGCACCATCTGGGACGGCGAGCAGAAGACGCATTGCTTCAAGGA-3'
Protein context (NP_005404.1, residues 185-205): LGPVDKYRVR[Lys195Arg]KFPLPRTIWD

ClinVar aggregate classification (germline): Uncertain significance (1 of 4 stars; one submission).

Conditions:
SIX3-related disorder. Also called: SIX3-related condition; SIX3-Related Disorders.

gnomAD v4.1: 2 of 1,602,004 alleles (0.00012%); highest among the groups gnomAD compares: Non-Finnish European, 0.00017%; no homozygotes.

Submission:

PreventionGenetics, part of Exact Sciences
Classification: Uncertain significance for SIX3-related condition. Last evaluated: 2024-12-09. Review status: criteria provided, single submitter. Criteria: ACMG Guidelines, 2015. Collection method: clinical testing. Allele origin: germline.
Comment: The SIX3 c.584A>G variant is predicted to result in the amino acid substitution p.Lys195Arg. To our knowledge, this variant has not been reported in the literature or in a large population database (gnomAD), indicating this variant is rare. At this time, the clinical significance of this variant is uncertain due to the absence of conclusive functional and genetic evidence.